The following is an entry in ClinVar:

NM_002485.5(NBN):c.1075A>T (p.Asn359Tyr)

Gene: NBN (nibrin; minus strand). Cytogenetic location: 8q21.3.
Variant type: single nucleotide variant.
Coding change: c.1075A>T on transcript NM_002485.5 (MANE Select); coding-DNA position 1075, A replaced by T.
Protein change: p.Asn359Tyr; replaces asparagine 359 with tyrosine.
Molecular consequence: missense variant.
Genome position (GRCh38, 1-based): chr8:89,958,774, T>A on the plus strand (A>T on the coding strand, the complement: NBN is on the minus strand). VCF-style: chr8-89958774-T-A. GRCh37 (hg19) VCF-style: chr8-90971002-T-A.
Other names: c.829A>T, p.Asn277Tyr (NM_001024688.3); short protein forms N359Y, N277Y.
Identifiers: ClinVar variation 918706 (VCV000918706.6), dbSNP rs1810851931, ClinGen allele CA371656662.

ClinVar aggregate classification (germline): Uncertain significance (1 of 4 stars; one submission).

Conditions:
Hereditary cancer-predisposing syndrome. Also called: Neoplastic Syndromes, Hereditary; Tumor predisposition; Hereditary Cancer Syndrome; Hereditary neoplastic syndrome. Identifiers: Orphanet 140162, MedGen C0027672, MeSH D009386, MONDO:0015356.

Submission:

Ambry Genetics
Classification: Uncertain significance for Hereditary cancer-predisposing syndrome. Last evaluated: 2022-01-08. Review status: criteria provided, single submitter. Criteria: Ambry Variant Classification Scheme 2023. Collection method: clinical testing. Allele origin: germline.
Comment: The p.N359Y variant (also known as c.1075A>T), located in coding exon 9 of the NBN gene, results from an A to T substitution at nucleotide position 1075. The asparagine at codon 359 is replaced by tyrosine, an amino acid with dissimilar properties. This amino acid position is conserved. In addition, this alteration is predicted to be tolerated by in silico analysis. Since supporting evidence is limited at this time, the clinical significance of this alteration remains unclear.